The following is an entry in ClinVar:

NM_005585.5(SMAD6):c.439G>C (p.Gly147Arg)

Gene: SMAD6 (SMAD family member 6; plus strand). Cytogenetic location: 15q22.31.
Variant type: single nucleotide variant.
Coding change: c.439G>C on transcript NM_005585.5 (MANE Select); coding-DNA position 439, G replaced by C.
Protein change: p.Gly147Arg; replaces glycine 147 with arginine.
Molecular consequence: missense variant. On other transcripts: non-coding transcript variant (1).
Genome position (GRCh38, 1-based): chr15:66,703,697, G>C. VCF-style: chr15-66703697-G-C. GRCh37 (hg19) VCF-style: chr15-66996035-G-C.
Other names: short protein forms G147R.
Identifiers: ClinVar variation 2734294 (VCV002734294.3), dbSNP rs867644316, ClinGen allele CA392949556.

ClinVar aggregate classification (germline): Uncertain significance (1 of 4 stars; one submission).

Conditions:
Aortic valve disease 2 (AOVD2). Identifiers: MedGen C3542024, MONDO:0013902, OMIM 614823.

gnomAD v4.1: 6 of 1,268,116 alleles (0.00047%); highest among the groups gnomAD compares: Non-Finnish European, 0.0006%; no homozygotes.

Submission:

Labcorp Genetics (formerly Invitae), Labcorp
Classification: Uncertain significance for Aortic valve disease 2. Last evaluated: 2023-09-04. Review status: criteria provided, single submitter. Criteria: Invitae Variant Classification Sherloc (09022015). Collection method: clinical testing. Allele origin: germline.
Comment: In summary, the available evidence is currently insufficient to determine the role of this variant in disease. Therefore, it has been classified as a Variant of Uncertain Significance. Advanced modeling of protein sequence and biophysical properties (such as structural, functional, and spatial information, amino acid conservation, physicochemical variation, residue mobility, and thermodynamic stability) performed at Invitae indicates that this missense variant is not expected to disrupt SMAD6 protein function. This variant has not been reported in the literature in individuals affected with SMAD6-related conditions. This variant is not present in population databases (gnomAD no frequency). This sequence change replaces glycine, which is neutral and non-polar, with arginine, which is basic and polar, at codon 147 of the SMAD6 protein (p.Gly147Arg).